The following is an entry in ClinVar:

NC_000012.11:g.(?_133195428)_(133196229_?)del

Gene: P2RX2 (purinergic receptor P2X 2; plus strand). Cytogenetic location: 12q24.33.
Variant type: Deletion.
Identifiers: ClinVar variation 1412896 (VCV001412896.4).

ClinVar aggregate classification (germline): Uncertain significance (1 of 4 stars; one submission).

Submission:

Labcorp Genetics (formerly Invitae), Labcorp
Classification: Uncertain significance. Last evaluated: 2021-06-15. Review status: criteria provided, single submitter. Criteria: Invitae Variant Classification Sherloc (09022015). Collection method: clinical testing. Allele origin: germline.
Comment: This variant has been observed in individual(s) with clinical features of deafness (Invitae). This variant results in the deletion of exon 2 and part of exon 1 (c.31_310-31del) of the P2RX2 gene. It is expected to disrupt RNA splicing. Variants that disrupt the donor or acceptor splice site typically lead to a loss of protein function (PMID: 16199547), however the current clinical and genetic evidence is not sufficient to establish whether loss-of-function variants in P2RX2 cause disease. In summary, the available evidence is currently insufficient to determine the role of this variant in disease. Therefore, it has been classified as a Variant of Uncertain Significance.

Literature cited by the submitters: PubMed 16199547.